The following is an entry in ClinVar:

ClinVar aggregate classification (germline): Uncertain significance (1 of 4 stars; one submission).

Submission:

Labcorp Genetics (formerly Invitae), Labcorp
Classification: Uncertain significance. Last evaluated: 2021-04-01. Review status: criteria provided, single submitter. Criteria: Invitae Variant Classification Sherloc (09022015). Collection method: clinical testing. Allele origin: germline.
Comment: This sequence change replaces isoleucine with methionine at codon 133 of the PCLO protein (p.Ile133Met). The isoleucine residue is moderately conserved and there is a small physicochemical difference between isoleucine and methionine. In summary, the available evidence is currently insufficient to determine the role of this variant in disease. Therefore, it has been classified as a Variant of Uncertain Significance. Algorithms developed to predict the effect of missense changes on protein structure and function are either unavailable or do not agree on the potential impact of this missense change (SIFT: "Deleterious"; PolyPhen-2: "Not Available"; Align-GVGD: "Class C0"). This variant has not been reported in the literature in individuals with PCLO-related conditions. This variant is not present in population databases (ExAC no frequency).

NM_033026.6(PCLO):c.399T>G (p.Ile133Met)

Gene: PCLO (piccolo presynaptic cytomatrix protein; minus strand). Cytogenetic location: 7q21.11.
Variant type: single nucleotide variant.
Coding change: c.399T>G on transcript NM_033026.6 (MANE Select); coding-DNA position 399, T replaced by G.
Protein change: p.Ile133Met; replaces isoleucine 133 with methionine.
Molecular consequence: missense variant.
Genome position (GRCh38, 1-based): chr7:83,156,242, A>C on the plus strand (T>G on the coding strand, the complement: PCLO is on the minus strand). VCF-style: chr7-83156242-A-C. GRCh37 (hg19) VCF-style: chr7-82785558-A-C.
Other names: c.399T>G, p.Ile133Met (NM_014510.3); short protein forms I133M.
Identifiers: ClinVar variation 1485359 (VCV001485359.8), dbSNP rs2116693752, ClinGen allele CA367921326.